The following is an entry in ClinVar:

ClinVar aggregate classification (germline): Uncertain significance (1 of 4 stars; one submission).

Submission:

Women's Health and Genetics/Laboratory Corporation of America, LabCorp
Classification: Uncertain significance. Last evaluated: 2026-02-24. Review status: criteria provided, single submitter. Criteria: LabCorp Variant Classification Summary - May 2015. Collection method: clinical testing. Allele origin: germline.
Comment: Variant summary: COL12A1 c.*1208T>A is located in the untranslated mRNA region downstream of the termination codon. The variant was absent in 151234 control chromosomes. The available data on variant occurrences in the general population are insufficient to allow any conclusion about variant significance. To our knowledge, no occurrence of c.*1208T>A in individuals affected with COL12A1-related conditions and no experimental evidence demonstrating its impact on protein function have been reported. No submitters have cited clinical-significance assessments for this variant to ClinVar. Based on the evidence outlined above, the variant was classified as uncertain significance.

NM_004370.6(COL12A1):c.*1208T>A

Gene: COL12A1 (collagen type XII alpha 1 chain; minus strand). Cytogenetic location: 6q13.
Variant type: single nucleotide variant.
Coding change: c.*1208T>A on transcript NM_004370.6 (MANE Select); 1208 bases downstream of the stop codon, T replaced by A.
Molecular consequence: 3 prime UTR variant. On other transcripts: missense variant (2).
Genome position (GRCh38, 1-based): chr6:75,085,339, A>T on the plus strand (T>A on the coding strand, the complement: COL12A1 is on the minus strand). VCF-style: chr6-75085339-A-T. GRCh37 (hg19) VCF-style: chr6-75795055-A-T.
Other names: c.9208T>A, p.Tyr3070Asn (NM_001424113.1); c.*1208T>A (NM_001424114.1, NM_001424115.1, NM_080645.3); c.5716T>A, p.Tyr1906Asn (NM_001424116.1); short protein forms Y1906N, Y3070N.
Identifiers: ClinVar variation 4848127 (VCV004848127.1).
Genomic context (GRCh38, chr6:75,085,339, plus strand): 5'-CGTATTCCGCTGTCCGCTCGGGCTCCACCGGCACGATGAAGGGCTCGCGCTCAGGCAGGT[A>T]GGCCCCGCCCTCGGGCACGTAAGGCTCTGTCCGATTCAACATTACAATTATGGCATGATT-3'